The following is an entry in ClinVar:

ClinVar aggregate classification (germline): Uncertain significance (1 of 4 stars; one submission).

Conditions:
Bethlem myopathy 1A. Also called: MYOPATHY, BENIGN CONGENITAL, WITH CONTRACTURES; Bethlem myopathy 1; Bethlem Muscular Dystrophy. Identifiers: Orphanet 610, MedGen CN029274, MONDO:0024530, OMIM 158810.

gnomAD v4.1: 1 of 1,611,020 alleles (0.000062%); highest among the groups gnomAD compares: African/African-American, 0.0013%; no homozygotes.

Submission:

Labcorp Genetics (formerly Invitae), Labcorp
Classification: Uncertain significance for Bethlem myopathy 1A. Last evaluated: 2024-03-20. Review status: criteria provided, single submitter. Criteria: Invitae Variant Classification Sherloc (09022015). Collection method: clinical testing. Allele origin: germline.
Comment: This sequence change replaces alanine, which is neutral and non-polar, with threonine, which is neutral and polar, at codon 389 of the COL6A2 protein (p.Ala389Thr). This variant is present in population databases (no rsID available, gnomAD 0.004%). This variant has not been reported in the literature in individuals affected with COL6A2-related conditions. Advanced modeling of protein sequence and biophysical properties (such as structural, functional, and spatial information, amino acid conservation, physicochemical variation, residue mobility, and thermodynamic stability) performed at Invitae indicates that this missense variant is not expected to disrupt COL6A2 protein function with a negative predictive value of 80%. In summary, the available evidence is currently insufficient to determine the role of this variant in disease. Therefore, it has been classified as a Variant of Uncertain Significance.

NM_001849.4(COL6A2):c.1165G>A (p.Ala389Thr)

Gene: COL6A2 (collagen type VI alpha 2 chain; plus strand). Cytogenetic location: 21q22.3.
Variant type: single nucleotide variant.
Coding change: c.1165G>A on transcript NM_001849.4 (MANE Select); coding-DNA position 1165, G replaced by A.
Protein change: p.Ala389Thr; replaces alanine 389 with threonine.
Molecular consequence: missense variant.
Genome position (GRCh38, 1-based): chr21:46,118,662, G>A. VCF-style: chr21-46118662-G-A. GRCh37 (hg19) VCF-style: chr21-47538576-G-A.
Other names: c.1165G>A, p.Ala389Thr (NM_058174.3, NM_058175.3); short protein forms A389T.
Identifiers: ClinVar variation 3666912 (VCV003666912.2).